The following is an entry in ClinVar:

ClinVar aggregate classification (germline): Uncertain significance (1 of 4 stars; one submission).

Conditions:
Epilepsy, familial adult myoclonic, 5 (EPEO5). Also called: CORTICAL MYOCLONIC TREMOR WITH EPILEPSY, FAMILIAL, 5. Identifiers: Orphanet 86814, MedGen C3809374, MONDO:0014167, OMIM 615400.

Submission:

Labcorp Genetics (formerly Invitae), Labcorp
Classification: Uncertain significance for Epilepsy, familial adult myoclonic, 5. Last evaluated: 2022-05-03. Review status: criteria provided, single submitter. Criteria: Invitae Variant Classification Sherloc (09022015). Collection method: clinical testing. Allele origin: germline.
Comment: This variant has not been reported in the literature in individuals affected with CNTN2-related conditions. This variant is not present in population databases (gnomAD no frequency). This sequence change replaces lysine, which is basic and polar, with glutamic acid, which is acidic and polar, at codon 312 of the CNTN2 protein (p.Lys312Glu). Advanced modeling of protein sequence and biophysical properties (such as structural, functional, and spatial information, amino acid conservation, physicochemical variation, residue mobility, and thermodynamic stability) performed at Invitae indicates that this missense variant is not expected to disrupt CNTN2 protein function. In summary, the available evidence is currently insufficient to determine the role of this variant in disease. Therefore, it has been classified as a Variant of Uncertain Significance.

NM_005076.5(CNTN2):c.934A>G (p.Lys312Glu)

Gene: CNTN2 (contactin 2; plus strand). Cytogenetic location: 1q32.1.
Variant type: single nucleotide variant.
Coding change: c.934A>G on transcript NM_005076.5 (MANE Select); coding-DNA position 934, A replaced by G.
Protein change: p.Lys312Glu; replaces lysine 312 with glutamic acid.
Molecular consequence: missense variant. On other transcripts: non-coding transcript variant (1).
Genome position (GRCh38, 1-based): chr1:205,061,381, A>G. VCF-style: chr1-205061381-A-G. GRCh37 (hg19) VCF-style: chr1-205030509-A-G.
Other names: c.934A>G, p.Lys312Glu (NM_001346083.2); short protein forms K312E.
Identifiers: ClinVar variation 2132846 (VCV002132846.4), dbSNP rs2526364984, ClinGen allele CA344409679.
Genomic context (GRCh38, chr1:205,061,381, plus strand): 5'-CAGATCCCCAGCGTCAGCTTTGAGGATGAGGGCACCTACGAGTGTGAGGCGGAGAACTCC[A>G]AGGGCCGAGACACCGTGCAGGGCCGCATCATCGTGCAGGGTACAGAGCCAGGGACACCTT-3'
Protein context (NP_005067.1, residues 302-322): GTYECEAENS[Lys312Glu]GRDTVQGRII